The following is an entry in ClinVar:

NC_000003.11:g.(1427482_1443116)_(1445295_?)dup

Gene: CNTN6 (contactin 6; plus strand). Cytogenetic location: 3p26.3.
Variant type: Duplication.
Identifiers: ClinVar variation 1705172 (VCV001705172.1).

ClinVar aggregate classification (germline): Uncertain significance (1 of 4 stars; one submission).

Submission:

Women's Health and Genetics/Laboratory Corporation of America, LabCorp
Classification: Uncertain significance. Last evaluated: 2022-08-22. Review status: criteria provided, single submitter. Criteria: LabCorp Variant Classification Summary - May 2015. Collection method: clinical testing. Allele origin: germline.
Comment: Variant summary: The variant identified by MLPA or other technology involves the duplication of exons 21-23 in the CNTN6 gene, which are the last three exons of the CNTN6 gene. The exact breakpoint at the 3' end of this variant is unknown and therefore this duplication might extend beyond the assayed region of the CNTN6 gene. A presumed nomenclature of c.(2704+1_2705-1)_(*193_?)dup has been designated for the purposes of this classification. It has been assumed that this is a tandem duplication in direct orientation (Richardson_GIM_2018, Newman_AJHG_2015). Since the exact breakpoints of this duplication are not known, it is not possible to predict the protein level effect of this duplication in the CNTN6 gene. The variant was absent in 21622 control chromosomes (gnomAD Structural Variants dataset). The available data on variant occurrences in the general population are insufficient to allow any conclusion about variant significance. To our knowledge, no occurrence of c.(2704+1_2705-1)_(*193_?)dup in individuals affected with CNTN6-Related Disorders and no experimental evidence demonstrating its impact on protein function have been reported. One clinical diagnostic laboratory has submitted clinical-significance assessments for a similar large duplication variant to ClinVar after 2014, and classified the variant as VUS. In conclusion, while it may be assumed that duplication variants including a large DNA segment downstream of the gene might result in regular transcription and translation termination with an unaffected protein product, shorter tandem duplication variants involving the last three exons, could also result in a frameshift, or an in-frame duplication change, and also can affect the 3' UTR end of the mRNA, which might be associated with disease. Since it is not possible to distinguish between these outcomes in the context of this evaluation, the variant was classified as uncertain significance.